The following is an entry in ClinVar:

ClinVar aggregate classification (germline): Uncertain significance (1 of 4 stars; one submission).

Submission:

GeneDx
Classification: Uncertain significance. Last evaluated: 2022-01-06. Review status: criteria provided, single submitter. Criteria: GeneDx Variant Classification Process June 2021. Collection method: clinical testing. Allele origin: germline. Affected: yes.
Comment: Not observed at significant frequency in large population cohorts (gnomAD); In silico analysis supports that this missense variant has a deleterious effect on protein structure/function; Has not been previously published as pathogenic or benign to our knowledge

NM_001035.3(RYR2):c.12623A>G (p.Glu4208Gly)

Genes: RYR2 (ryanodine receptor 2; plus strand), LOC126806068 (BRD4-independent group 4 enhancer GRCh37_chr1:237947411-237948610; plus strand). Cytogenetic location: 1q43.
Variant type: single nucleotide variant.
Coding change: c.12623A>G on transcript NM_001035.3 (MANE Select); coding-DNA position 12623, A replaced by G.
Protein change: p.Glu4208Gly; replaces glutamic acid 4208 with glycine.
Molecular consequence: missense variant.
Genome position (GRCh38, 1-based): chr1:237,784,335, A>G. VCF-style: chr1-237784335-A-G. GRCh37 (hg19) VCF-style: chr1-237947635-A-G.
Other names: short protein forms E4208G.
Identifiers: ClinVar variation 1695447 (VCV001695447.2), dbSNP rs1695373000, ClinGen allele CA345413771.